The following is an entry in ClinVar:

NM_000321.3(RB1):c.2107-3T>G

Gene: RB1 (RB transcriptional corepressor 1; plus strand). Cytogenetic location: 13q14.2.
Variant type: single nucleotide variant.
Coding change: c.2107-3T>G on transcript NM_000321.3 (MANE Select); 3 bases into the intron before coding-DNA position 2107, T replaced by G.
Molecular consequence: intron variant.
Genome position (GRCh38, 1-based): chr13:48,463,728, T>G. VCF-style: chr13-48463728-T-G. GRCh37 (hg19) VCF-style: chr13-49037864-T-G.
Identifiers: ClinVar variation 944106 (VCV000944106.1), dbSNP rs1949419453, ClinGen allele CA913203475.

ClinVar aggregate classification (germline): Uncertain significance (1 of 4 stars; one submission).

Conditions:
Retinoblastoma (RB1). Also called: RETINOBLASTOMA, SOMATIC. Identifiers: Orphanet 790, MedGen C0035335, MeSH D012175, MONDO:0008380, OMIM 180200, HP:0009919. Disease mechanism: loss of function. Inheritance: Both sporadic and heritable forms are tested..

Submission:

Labcorp Genetics (formerly Invitae), Labcorp
Classification: Uncertain significance for Retinoblastoma. Last evaluated: 2019-08-14. Review status: criteria provided, single submitter. Criteria: Invitae Variant Classification Sherloc (09022015). Collection method: clinical testing. Allele origin: germline.
Comment: This sequence change falls in intron 20 of the RB1 gene. It does not directly change the encoded amino acid sequence of the RB1 protein, but it affects a nucleotide within the consensus splice site of the intron. This variant is not present in population databases (ExAC no frequency). Nucleotide substitutions within the consensus splice site are a relatively common cause of aberrant splicing (PMID: 17576681, 9536098). Algorithms developed to predict the effect of sequence changes on RNA splicing suggest that this variant may disrupt the consensus splice site, but this prediction has not been confirmed by published transcriptional studies. In summary, the available evidence is currently insufficient to determine the role of this variant in disease. Therefore, it has been classified as a Variant of Uncertain Significance.